The following is an entry in ClinVar:

NM_001127898.4(CLCN5):c.1898G>A (p.Arg633His)

Genes: CLCN5 (chloride voltage-gated channel 5; plus strand), LOC126863258 (BRD4-independent group 4 enhancer GRCh37_chrX:49854497-49855696; plus strand). Cytogenetic location: Xp11.23.
Variant type: single nucleotide variant.
Coding change: c.1898G>A on transcript NM_001127898.4 (MANE Select); coding-DNA position 1898, G replaced by A.
Protein change: p.Arg633His; replaces arginine 633 with histidine.
Molecular consequence: missense variant.
Genome position (GRCh38, 1-based): chrX:50,090,269, G>A. VCF-style: chrX-50090269-G-A. GRCh37 (hg19) VCF-style: chrX-49854926-G-A.
Other names: c.1688G>A, p.Arg563His (NM_000084.5); c.1898G>A, p.Arg633His (NM_001127899.4); c.1748G>A, p.Arg583His (NM_001282163.2); short protein forms R633H, R563H, R583H.
Identifiers: ClinVar variation 1903092 (VCV001903092.5), dbSNP rs782537339, ClinGen allele CA10413936.

ClinVar aggregate classification (germline): Uncertain significance (1 of 4 stars; one submission).

Allele frequency attached by ClinVar (database versions not stated): TOPMed below 0.00001; ExAC 0.00001; gnomAD exomes 0.00001.
gnomAD v4.1: 15 of 1,211,650 alleles (0.0012%); highest among the groups gnomAD compares: East Asian, 0.012%; no homozygotes.

Submission:

Labcorp Genetics (formerly Invitae), Labcorp
Classification: Uncertain significance. Last evaluated: 2025-08-20. Review status: criteria provided, single submitter. Criteria: Invitae Variant Classification Sherloc (09022015). Collection method: clinical testing. Allele origin: germline.
Comment: This sequence change replaces arginine, which is basic and polar, with histidine, which is basic and polar, at codon 563 of the CLCN5 protein (p.Arg563His). This variant is present in population databases (rs782537339, gnomAD 0.001%). This variant has not been reported in the literature in individuals affected with CLCN5-related conditions. ClinVar contains an entry for this variant (Variation ID: 1903092). An algorithm developed to predict the effect of missense changes on protein structure and function outputs the following: PolyPhen-2: "Benign". The histidine amino acid residue is found in multiple mammalian species, which suggests that this missense change does not adversely affect protein function. In summary, the available evidence is currently insufficient to determine the role of this variant in disease. Therefore, it has been classified as a Variant of Uncertain Significance.